The following is an entry in ClinVar:

NM_000179.3(MSH6):c.3980A>G (p.Asn1327Ser)

Gene: MSH6 (mutS homolog 6; plus strand). Cytogenetic location: 2p16.3.
Variant type: single nucleotide variant.
Coding change: c.3980A>G on transcript NM_000179.3 (MANE Select); coding-DNA position 3980, A replaced by G.
Protein change: p.Asn1327Ser; replaces asparagine 1327 with serine.
Molecular consequence: missense variant.
Genome position (GRCh38, 1-based): chr2:47,806,630, A>G. VCF-style: chr2-47806630-A-G. GRCh37 (hg19) VCF-style: chr2-48033769-A-G.
Other names: c.3590A>G, p.Asn1197Ser (NM_001281492.2); c.3074A>G, p.Asn1025Ser (NM_001281493.2, NM_001281494.2); short protein forms N1327S, N1025S, N1197S.
Identifiers: ClinVar variation 220943 (VCV000220943.38), dbSNP rs780187989, ClinGen allele CA072431.
Genomic context (GRCh38, chr2:47,806,630, plus strand): 5'-ATCTCCCAGAGGAAGTTATTCAAAAGGGACATAGAAAAGCAAGAGAATTTGAGAAGATGA[A>G]TCAGTCACTACGATTATTTCGGTAACTAACTAACTATAATGGAATTATAACTAACTGACC-3'
Protein context (NP_000170.1, residues 1317-1337): HRKAREFEKM[Asn1327Ser]QSLRLFREVC

ClinVar aggregate classification (germline): Conflicting classifications of pathogenicity. Review status: criteria provided, conflicting classifications (1 of 4 stars). 12 submissions from 12 submitters: Uncertain significance (4); Benign (2); Likely benign (6). Last evaluated 2026-01-28.

Conditions:
Hereditary nonpolyposis colorectal neoplasms. Identifiers: MedGen C0009405, MeSH D003123.
Lynch syndrome 5 (LYNCH5). Also called: Colorectal cancer, hereditary nonpolyposis, type 5; Hereditary non-polyposis colorectal cancer, type 5. Identifiers: Orphanet 144, MedGen C1833477, MONDO:0013710, OMIM 614350. Disease mechanism: loss of function.
Endometrial carcinoma. Also called: Endometrial carcinoma, somatic. Identifiers: MedGen C0476089, MONDO:0002447, OMIM 608089, HP:0012114.
Mismatch repair cancer syndrome 3. Identifiers: MedGen C5436807, MONDO:0030841, OMIM 619097.
Hereditary cancer-predisposing syndrome. Also called: Hereditary neoplastic syndrome; Tumor predisposition; Hereditary Cancer Syndrome; Neoplastic Syndromes, Hereditary. Identifiers: Orphanet 140162, MedGen C0027672, MeSH D009386, MONDO:0015356.
Lynch syndrome. Identifiers: Orphanet 144, MedGen C4552100, MONDO:0005835. Disease mechanism: loss of function.

Allele frequency attached by ClinVar (database versions not stated): TOPMed below 0.00001; gnomAD exomes 0.00007; gnomAD 0.00001; ExAC 0.00005.

Submissions (12):

Labcorp Genetics (formerly Invitae), Labcorp
Classification: Benign for Hereditary nonpolyposis colorectal neoplasms. Last evaluated: 2026-01-28. Review status: criteria provided, single submitter. Criteria: Invitae Variant Classification Sherloc (09022015). Collection method: clinical testing. Allele origin: germline.

Fulgent Genetics
Classification: Uncertain significance for Endometrial carcinoma; Lynch syndrome 5; Mismatch repair cancer syndrome 3. Last evaluated: 2024-02-15. Review status: criteria provided, single submitter. Criteria: ACMG Guidelines, 2015. Collection method: clinical testing. Allele origin: germline.

All of Us Research Program, National Institutes of Health
Classification: Likely benign for Lynch syndrome. Last evaluated: 2024-02-05. Review status: criteria provided, single submitter. Criteria: ACMG Guidelines, 2015. Collection method: clinical testing. Allele origin: germline. Inheritance: Autosomal dominant inheritance. Observed: 5 variant alleles, 5 heterozygotes.
Comment: This missense variant replaces asparagine with serine at codon 1327 of the MSH6 protein. Computational prediction suggests that this variant may not impact protein structure and function (internally defined REVEL score threshold <= 0.5, PMID: 27666373). To our knowledge, functional studies have not been reported for this variant. This variant has been reported in an individual affected with ovarian cancer (PMID: 23047549), colorectal cancer (PMID: 30521064), or breast cancer (PMID: 30093976). This variant has been identified in 18/278198 chromosomes in the general population by the Genome Aggregation Database (gnomAD). The available evidence is insufficient to determine the role of this variant in disease conclusively. Therefore, this variant is classified as a Variant of Uncertain Significance.

This study involves interpretation of variants in research participants for the purpose of population health screening. Participant phenotype was not available at the time of variant classification. Additional details can be found in publication PMID: 35346344, PMCID: PMC8962531

Women's Health and Genetics/Laboratory Corporation of America, LabCorp
Classification: Likely benign. Last evaluated: 2023-12-01. Review status: criteria provided, single submitter. Criteria: LabCorp Variant Classification Summary - May 2015. Collection method: clinical testing. Allele origin: germline.
Comment: Variant summary: MSH6 c.3980A>G (p.Asn1327Ser) results in a conservative amino acid change in the encoded protein sequence. Five of five in-silico tools predict a benign effect of the variant on protein function. The variant allele was found at a frequency of 6.9e-05 in 246806 control chromosomes, predominantly at a frequency of 0.00093 within the East Asian subpopulation in the gnomAD database. The observed variant frequency within East Asian control individuals in the gnomAD database is approximately 7 fold of the estimated maximal expected allele frequency for a pathogenic variant in MSH6 causing Hereditary Nonpolyposis Colorectal Cancer phenotype (0.00014), strongly suggesting that the variant is a benign polymorphism found primarily in populations of East Asian origin. c.3980A>G has been reported in the literature in at least one individual affected with Lynch Syndrome (Jiang_2019), as well as a VUS in settings of multigene panel testing among individuals affected with epithelial ovarian cancer (Pal_2012) and breast cancer (Chan_2018). These report(s) do not provide unequivocal conclusions about association of the variant with Hereditary Nonpolyposis Colorectal Cancer. To our knowledge, no experimental evidence demonstrating an impact on protein function has been reported. The following publications have been ascertained in the context of this evaluation (PMID: 30093976, 30521064, 23047549, 35171259, 36243179). Seven submitters have cited clinical-significance assessments for this variant to ClinVar after 2014 and classified the variant as VUS (n=4) or benign/likely benign (n=3). Based on the evidence outlined above, the variant was classified as likely benign.

Color Diagnostics, LLC DBA Color Health
Classification: Likely benign for Hereditary cancer-predisposing syndrome. Last evaluated: 2023-10-11. Review status: criteria provided, single submitter. Criteria: ACMG Guidelines, 2015. Collection method: clinical testing. Allele origin: germline.

Quest Diagnostics Nichols Institute San Juan Capistrano
Classification: Benign. Last evaluated: 2023-06-22. Review status: criteria provided, single submitter. Criteria: Quest Diagnostics criteria. Collection method: clinical testing. Allele origin: unknown.

Ambry Genetics
Classification: Likely benign for Hereditary cancer-predisposing syndrome. Last evaluated: 2023-01-11. Review status: criteria provided, single submitter. Criteria: Ambry Variant Classification Scheme 2023. Collection method: clinical testing. Allele origin: germline.

Department of Pathology and Laboratory Medicine, Sinai Health System
Classification: Likely benign for Lynch syndrome. Last evaluated: 2022-04-07. Review status: criteria provided, single submitter. Criteria: ACMG Guidelines, 2015. Collection method: clinical testing. Allele origin: germline. Affected: yes.

Sema4
Classification: Uncertain significance for Hereditary cancer-predisposing syndrome. Last evaluated: 2021-10-04. Review status: criteria provided, single submitter. Criteria: Sema4 Curation Guidelines. Collection method: curation. Allele origin: germline.
Comment: The MSH6 c.3980A>G (p.N1327S) has been reported in at least three individuals with colorectal, ovarian, and breast cancer, without strong evidence for causality (PMID: 23047549, 30093976, 30521064). This variant has been reported in 12/60,466 women with breast cancer and in 6/53,461 controls by the large case-control study (PMID 33471991). This variant was observed in 18/19814 chromosomes in the East Asian population, with no homozygotes, according to the Genome Aggregation Database (PMID: 32461654). The variant has been reported in ClinVar (Variation ID: 220943). Functional studies have not been performed, and in silico predictions of the variant's effect on protein function are inconclusive. Based on the current evidence available, this variant is interpreted as a variant of uncertain significance.

Genetic Services Laboratory, University of Chicago
Classification: Uncertain significance. Last evaluated: 2019-03-28. Review status: criteria provided, single submitter. Criteria: ACMG Guidelines, 2015. Collection method: clinical testing. Allele origin: germline. Affected: no.

GeneDx
Classification: Likely benign. Last evaluated: 2018-12-12. Review status: criteria provided, single submitter. Criteria: GeneDx Variant Classification Process June 2021. Collection method: clinical testing. Allele origin: germline. Affected: yes.
Comment: This variant is associated with the following publications: (PMID: 23047549, 30521064, 30093976)

Laboratory for Molecular Medicine, Mass General Brigham Personalized Medicine
Classification: Uncertain significance. Last evaluated: 2018-10-16. Review status: criteria provided, single submitter. Criteria: LMM Criteria. Collection method: clinical testing. Allele origin: germline. Observed: 1 variant allele.
Comment: The p.Asn1327Ser variant in MSH6 has been reported in one individual with ovaria n cancer (Pal 2012) and has also been reported by other clinical laboratories in ClinVar (Variation ID: 220943). Additionally, it has been identified in 16/1874 0 East Asian chromosomes by gnomAD. Computati onal prediction tools and conservation analysis suggest that the p.Asn1327Ser va riant may not impact the protein. In summary, the clinical significance of the p.Asn1327Ser variant is uncertain. ACMG/AMP Criteria applied: BP4.

Literature cited by the submitters: PubMed 23047549 (cited by 7 submitters); PubMed 30093976 (cited by 6 submitters); PubMed 30521064 (cited by 6 submitters); PubMed 35171259 (cited by Women's Health and Genetics/Laboratory Corporation of America, LabCorp); PubMed 36243179 (cited by Women's Health and Genetics/Laboratory Corporation of America, LabCorp); PubMed 33471991 (cited by Quest Diagnostics Nichols Institute San Juan Capistrano and Sema4).